The following is an entry in ClinVar:

ClinVar aggregate classification (germline): Conflicting classifications of pathogenicity. Review status: criteria provided, conflicting classifications (1 of 4 stars). 4 submissions from 4 submitters: Uncertain significance (1); Benign (1); Likely benign (1). 1 of the submissions does not count toward it. Last evaluated 2025-02-20.

Conditions:
KAT6B-related disorder. Also called: KAT6B-related disorders; KAT6B-related condition.
Inborn genetic diseases. Identifiers: MedGen C0950123, MeSH D030342.
Genitopatellar syndrome (GTPTS). Also called: Genitopatellar syndrome (GPS); ABSENT PATELLAE, SCROTAL HYPOPLASIA, RENAL ANOMALIES, FACIAL DYSMORPHISM, AND MENTAL RETARDATION. Identifiers: Orphanet 85201, MedGen C1853566, MONDO:0011640, OMIM 606170.

Allele frequency attached by ClinVar (database versions not stated): gnomAD exomes 0.00001; gnomAD 0.00007 and 0.00009; TOPMed 0.00011; ESP Exome Variant Server 0.00015.
gnomAD v4.1: 19 of 1,606,978 alleles (0.0012%); highest among the groups gnomAD compares: African/African-American, 0.025%; no homozygotes.

Submissions (4):

Labcorp Genetics (formerly Invitae), Labcorp
Classification: Benign for Genitopatellar syndrome. Last evaluated: 2025-02-20. Review status: criteria provided, single submitter. Criteria: Invitae Variant Classification Sherloc (09022015). Collection method: clinical testing. Allele origin: germline.

Ambry Genetics
Classification: Likely benign for Inborn genetic diseases. Last evaluated: 2023-12-20. Review status: criteria provided, single submitter. Criteria: Ambry Variant Classification Scheme 2023. Collection method: clinical testing. Allele origin: germline.

Center for Pediatric Genomic Medicine, Children's Mercy Hospital and Clinics
Classification: Uncertain significance. Last evaluated: 2016-12-02. Review status: criteria provided, single submitter. Criteria: ACMG Guidelines, 2015. Collection method: clinical testing. Allele origin: germline.
ClinVar note: Converted during submission from Uncertain Significance to Uncertain significance.

PreventionGenetics, part of Exact Sciences
Classification: Likely benign for KAT6B-related condition. Last evaluated: 2024-05-23. Review status: no assertion criteria provided. Collection method: clinical testing. Allele origin: germline. Not counted in ClinVar's aggregate classification.
Comment: This variant is classified as likely benign based on ACMG/AMP sequence variant interpretation guidelines (Richards et al. 2015 PMID: 25741868, with internal and published modifications).

NM_012330.4(KAT6B):c.839G>A (p.Arg280Lys)

Gene: KAT6B (lysine acetyltransferase 6B; plus strand). Cytogenetic location: 10q22.2.
Variant type: single nucleotide variant.
Coding change: c.839G>A on transcript NM_012330.4 (MANE Select); coding-DNA position 839, G replaced by A.
Protein change: p.Arg280Lys; replaces arginine 280 with lysine.
Molecular consequence: missense variant. On other transcripts: intron variant (2).
Genome position (GRCh38, 1-based): chr10:74,969,768, G>A. VCF-style: chr10-74969768-G-A. GRCh37 (hg19) VCF-style: chr10-76729526-G-A.
Other names: c.839G>A, p.Arg280Lys (NM_001256468.2, NM_001256469.2, NM_001370132.1 and 10 more transcripts); c.193-9456G>A (NM_001370134.1); c.192+9690G>A (NM_001370135.1); c.839G>A (NM_012330.3, NM_012330.2); short protein forms R280K.
Identifiers: ClinVar variation 377019 (VCV000377019.13), dbSNP rs148243411, ClinGen allele CA16603233.